The following is an entry in ClinVar:

NM_016239.4(MYO15A):c.9909del (p.Lys3303fs)

Gene: MYO15A (myosin XVA; plus strand). Cytogenetic location: 17p11.2.
Variant type: Deletion.
Coding change: c.9909del on transcript NM_016239.4 (MANE Select); coding-DNA position 9909, one base deleted (G; older notation c.9909delG).
Protein change: p.Lys3303fs; shifts the reading frame from lysine 3303.
Molecular consequence: frameshift variant.
Genome position (GRCh38, 1-based): chr17:18,166,482, G deleted. VCF-style (leftmost placement, unchanged base first): chr17-18166481-AG-A. GRCh37 (hg19) VCF-style: chr17-18069795-AG-A.
Other names: short protein forms K3303fs.
Identifiers: ClinVar variation 2858530 (VCV002858530.3), dbSNP rs2545325263, ClinGen allele CA2739267242.

ClinVar aggregate classification (germline): Pathogenic (1 of 4 stars; one submission).

Submission:

Labcorp Genetics (formerly Invitae), Labcorp
Classification: Pathogenic. Last evaluated: 2023-04-23. Review status: criteria provided, single submitter. Criteria: Invitae Variant Classification Sherloc (09022015). Collection method: clinical testing. Allele origin: germline.
Comment: For these reasons, this variant has been classified as Pathogenic. This variant has not been reported in the literature in individuals affected with MYO15A-related conditions. This variant is not present in population databases (gnomAD no frequency). This sequence change creates a premature translational stop signal (p.Lys3303Asnfs*8) in the MYO15A gene. It is expected to result in an absent or disrupted protein product. Loss-of-function variants in MYO15A are known to be pathogenic (PMID: 17546645).

Literature cited by the submitters: PubMed 17546645.